The following is an entry in ClinVar:

NM_000044.6(AR):c.2449+1G>A

Gene: AR (androgen receptor; plus strand). Cytogenetic location: Xq12.
Variant type: single nucleotide variant.
Coding change: c.2449+1G>A on transcript NM_000044.6 (MANE Select); the canonical splice donor site of the intron after coding-DNA position 2449, G replaced by A.
Molecular consequence: splice donor variant.
Genome position (GRCh38, 1-based): chrX:67,721,964, G>A. VCF-style: chrX-67721964-G-A. GRCh37 (hg19) VCF-style: chrX-66941806-G-A.
Other names: c.853+1G>A (NM_001011645.3).
Identifiers: ClinVar variation 3062241 (VCV003062241.1), dbSNP rs2147536129, ClinGen allele CA413427146.

ClinVar aggregate classification (germline): Likely pathogenic (1 of 4 stars; one submission).

Conditions:
Androgen resistance syndrome (AIS). Also called: ANDROGEN RECEPTOR DEFICIENCY; DIHYDROTESTOSTERONE RECEPTOR DEFICIENCY; TESTICULAR FEMINIZATION SYNDROME; Androgen insensitivity syndrome; Androgen insensitivity, complete; DHTR DEFICIENCY. Identifiers: Orphanet 754, Orphanet 99429, MedGen C0039585, MONDO:0019154, OMIM 300068. Disease mechanism: loss of function.

Submission:

Molecular Genetics Department, Kulakov National Medical Research Center for Obstetrics, Gynecology and Perinatology
Classification: Likely pathogenic for Androgen resistance syndrome. Review status: criteria provided, single submitter. Criteria: ACMG Guidelines, 2015. Collection method: clinical testing. Allele origin: germline. Affected: yes.
Comment: A previously undescribed nucleotide variant creates an alteration of the canonical splice site c.2449+1G>A in the AR gene. Loss-of-function hemizygous variants are reported in patients with Androgen insensitivity, 300068. The variant is not present in population database (gnomAD no frequency). In summary, the currently available evidence indicates that the variant is pathogenic, but additional data are needed to prove that conclusively. Therefore, this variant has been classified as likely pathogenic.